The following is an entry in ClinVar:

NM_152419.3(HGSNAT):c.1885A>C (p.Lys629Gln)

Gene: HGSNAT (heparan-alpha-glucosaminide N-acetyltransferase; plus strand). Cytogenetic location: 8p11.21.
Variant type: single nucleotide variant.
Coding change: c.1885A>C on transcript NM_152419.3 (MANE Select); coding-DNA position 1885, A replaced by C.
Protein change: p.Lys629Gln; replaces lysine 629 with glutamine.
Molecular consequence: missense variant.
Genome position (GRCh38, 1-based): chr8:43,199,546, A>C. VCF-style: chr8-43199546-A-C. GRCh37 (hg19) VCF-style: chr8-43054689-A-C.
Other names: c.1972A>C, p.Lys658Gln (NM_001363227.2); c.1693A>C, p.Lys565Gln (NM_001363228.2); c.1021A>C, p.Lys341Gln (NM_001363229.2); short protein forms K341Q, K565Q, K629Q, K658Q.
Identifiers: ClinVar variation 2163096 (VCV002163096.1), dbSNP rs185367976, ClinGen allele CA4737044.
Genomic context (GRCh38, chr8:43,199,546, plus strand): 5'-CTGACTCAGAACATCGTCGCCACTGCCCTCTGGGTGCTCATTGCCTACATCCTCTATAGA[A>C]AGAAGATTTTTTGGAAAATCTGATGGCTCCCACTGAGATGTGCTGCTGGAAGACTCTAGT-3'
Protein context (NP_689632.2, residues 619-635): WVLIAYILYR[Lys629Gln]KIFWKI

ClinVar aggregate classification (germline): Uncertain significance (1 of 4 stars; one submission).

Conditions:
Mucopolysaccharidosis, MPS-III-C (MPS3C). Also called: SANFILIPPO SYNDROME C; MPS III C; mucopolysaccharidosis type 3C; MUCOPOLYSACCHARIDOSIS, TYPE IIIC; MPS IIIC (Sanfilippo Syndrome Type C); Mucopolysaccharidosis type IIIC (Sanfilippo C). Identifiers: Orphanet 581, Orphanet 79271, MedGen C0086649, MONDO:0009657, OMIM 252930.
Retinitis pigmentosa 73 (RP73). Identifiers: Orphanet 791, MedGen C4225287, MONDO:0014687, OMIM 616544.

Allele frequency attached by ClinVar (database versions not stated): ExAC 0.00001; gnomAD 0.00003; gnomAD exomes 0.00004; 1000 Genomes Project 30x 0.00031; TOPMed 0.00003; 1000 Genomes Project 0.00020.
gnomAD v4.1: 63 of 1,557,008 alleles (0.004%); highest among the groups gnomAD compares: Admixed American, 0.0078%; no homozygotes.

Submission:

Labcorp Genetics (formerly Invitae), Labcorp
Classification: Uncertain significance for Retinitis pigmentosa 73; Mucopolysaccharidosis, MPS-III-C. Last evaluated: 2022-03-21. Review status: criteria provided, single submitter. Criteria: Invitae Variant Classification Sherloc (09022015). Collection method: clinical testing. Allele origin: germline.
Comment: This sequence change replaces lysine, which is basic and polar, with glutamine, which is neutral and polar, at codon 629 of the HGSNAT protein (p.Lys629Gln). This variant is present in population databases (rs185367976, gnomAD 0.004%). This variant has not been reported in the literature in individuals affected with HGSNAT-related conditions. Algorithms developed to predict the effect of missense changes on protein structure and function are either unavailable or do not agree on the potential impact of this missense change (SIFT: "Tolerated"; PolyPhen-2: "Possibly Damaging"; Align-GVGD: "Class C0"). In summary, the available evidence is currently insufficient to determine the role of this variant in disease. Therefore, it has been classified as a Variant of Uncertain Significance.